The following is an entry in ClinVar:

NM_022436.3(ABCG5):c.436G>C (p.Glu146Gln)

Gene: ABCG5 (ATP binding cassette subfamily G member 5; minus strand). Cytogenetic location: 2p21.
Variant type: single nucleotide variant.
Coding change: c.436G>C on transcript NM_022436.3 (MANE Select); coding-DNA position 436, G replaced by C.
Protein change: p.Glu146Gln; replaces glutamic acid 146 with glutamine.
Molecular consequence: missense variant.
Genome position (GRCh38, 1-based): chr2:43,831,834, C>G on the plus strand (G>C on the coding strand, the complement: ABCG5 is on the minus strand). VCF-style: chr2-43831834-C-G. GRCh37 (hg19) VCF-style: chr2-44058973-C-G.
Other names: c.436G>C (NM_022436.2); short protein forms E146Q.
Identifiers: ClinVar variation 2445863 (VCV002445863.1), dbSNP rs758551848, ClinGen allele CA1636677.

ClinVar aggregate classification (germline): Uncertain significance (1 of 4 stars; one submission).

Allele frequency attached by ClinVar (database versions not stated): ExAC 0.00003.
gnomAD v4.1: 1 of 1,586,740 alleles (0.000063%); highest among the groups gnomAD compares: Non-Finnish European, 0.000086%; no homozygotes.

Submission:

Women's Health and Genetics/Laboratory Corporation of America, LabCorp
Classification: Uncertain significance. Last evaluated: 2023-02-15. Review status: criteria provided, single submitter. Criteria: LabCorp Variant Classification Summary - May 2015. Collection method: clinical testing. Allele origin: germline.
Comment: Variant summary: ABCG5 c.436G>C (p.Glu146Gln) results in a conservative amino acid change located in the ABC transporter-like, ATP-binding domain (IPR003439) and AAA+ ATPase domain (IPR003593) of the encoded protein sequence. Four of five in-silico tools predict a benign effect of the variant on protein function. The variant allele was found at a frequency of 4.9e-06 in 204946 control chromosomes. The available data on variant occurrences in the general population are insufficient to allow any conclusion about variant significance. c.436G>C has been reported in the literature in individuals affected with sitosterolemia and familial hypercholesterolemia (e.g., Lu_2001, Reeskamp_2020), however, without strong evidence for causality (e.g., co-segregation and co-occurrence data). These reports do not provide unequivocal conclusions about association of the variant with Early Onset Coronary Artery Disease. At least two publications report experimental evidence evaluating an impact on protein function, finding that the variant leads to decreased protein trafficking efficiency (e.g., Graf_2004) and reduces cholesterol-coupled ATP hydrolysis activity to ~20% of normal activity in vitro (e.g., Xavier_2020). ABCG5 protein crystal structures and predictive modeling also suggest the E146 residue is highly important for crosstalk between the ABCG5 transmembrane-binding and nucleotide-binding domains (e.g., Lee_2016, Vishwakarma_201). No clinical diagnostic laboratories have submitted clinical-significance assessments for this variant to ClinVar after 2014. Based on the evidence outlined above, the variant was classified as VUS-possibly pathogenic.

Literature cited by the submitters: PubMed 11452359; PubMed 15054092; PubMed 27144356; PubMed 32088153; PubMed 30639597; PubMed 33228147.